The following is an entry in ClinVar:

NM_000257.4(MYH7):c.1499A>C (p.Glu500Ala)

Gene: MYH7 (myosin heavy chain 7; minus strand). Cytogenetic location: 14q11.2.
Variant type: single nucleotide variant.
Coding change: c.1499A>C on transcript NM_000257.4 (MANE Select); coding-DNA position 1499, A replaced by C.
Protein change: p.Glu500Ala; replaces glutamic acid 500 with alanine.
Molecular consequence: missense variant.
Genome position (GRCh38, 1-based): chr14:23,428,579, T>G on the plus strand (A>C on the coding strand, the complement: MYH7 is on the minus strand). VCF-style: chr14-23428579-T-G. GRCh37 (hg19) VCF-style: chr14-23897788-T-G.
Other names: short protein forms E500A.
Identifiers: ClinVar variation 177695 (VCV000177695.12), dbSNP rs727504286, ClinGen allele CA010860.

ClinVar aggregate classification (germline): Conflicting classifications of pathogenicity. Review status: criteria provided, conflicting classifications (1 of 4 stars). 3 submissions from 3 submitters: Likely pathogenic (2); Uncertain significance (1). Last evaluated 2026-04-06.

Conditions:
Cardiovascular phenotype. Identifiers: MedGen CN230736.
Hypertrophic cardiomyopathy. Also called: HYPERTROPHIC MYOCARDIOPATHY. Identifiers: Orphanet 217569, MedGen C0007194, MeSH D002312, MONDO:0005045, HP:0001639.

Submissions (3):

Ambry Genetics
Classification: Likely pathogenic for Cardiovascular phenotype. Last evaluated: 2026-04-06. Review status: criteria provided, single submitter. Criteria: Ambry Variant Classification Scheme 2023. Collection method: clinical testing. Allele origin: germline.
Comment: The p.E500A variant (also known as c.1499A>C), located in coding exon 13 of the MYH7 gene, results from an A to C substitution at nucleotide position 1499. The glutamic acid at codon 500 is replaced by alanine, an amino acid with dissimilar properties. This variant was reported in individual(s) with hypertrophic cardiomyopathy (Mohiddin SA et al. Genet Test, 2003;7:21-7; Walsh R et al. Genet Med, 2017 Feb;19:192-203; Janin A et al. Mol Diagn Ther, 2022 Sep;26:551-560; Ambry internal data). This variant is located in the myosin head domain, which contains a statistically significant clustering of pathogenic missense variants (Homburger JR et al. Proc Natl Acad Sci U S A, 2016 06;113:6701-6; Walsh R et al. Genet Med, 2017 02;19:192-203; Ambry internal data). This amino acid position is highly conserved in available vertebrate species. In addition, this alteration is predicted to be deleterious by in silico analysis. This variant is considered to be rare based on population cohorts in the Genome Aggregation Database (gnomAD). Based on the majority of available evidence to date, this variant is likely to be pathogenic.

Labcorp Genetics (formerly Invitae), Labcorp
Classification: Likely pathogenic for Hypertrophic cardiomyopathy. Last evaluated: 2025-06-10. Review status: criteria provided, single submitter. Criteria: Invitae Variant Classification Sherloc (09022015). Collection method: clinical testing. Allele origin: germline.
Comment: This sequence change replaces glutamic acid, which is acidic and polar, with alanine, which is neutral and non-polar, at codon 500 of the MYH7 protein (p.Glu500Ala). This variant is not present in population databases (gnomAD no frequency). This missense change has been observed in individuals with hypertrophic cardiomyopathy (PMID: 12820698, 27532257, 35838873, 37652022; internal data). ClinVar contains an entry for this variant (Variation ID: 177695). Invitae Evidence Modeling of protein sequence and biophysical properties (such as structural, functional, and spatial information, amino acid conservation, physicochemical variation, residue mobility, and thermodynamic stability) indicates that this missense variant is expected to disrupt MYH7 protein function with a positive predictive value of 95%. This variant disrupts the p.Glu500 amino acid residue in MYH7. Other variant(s) that disrupt this residue have been observed in individuals with MYH7-related conditions (internal data), which suggests that this may be a clinically significant amino acid residue. In summary, the currently available evidence indicates that the variant is pathogenic, but additional data are needed to prove that conclusively. Therefore, this variant has been classified as Likely Pathogenic.

Laboratory for Molecular Medicine, Mass General Brigham Personalized Medicine
Classification: Uncertain significance. Last evaluated: 2013-07-29. Review status: criteria provided, single submitter. Criteria: LMM Criteria. Collection method: clinical testing. Allele origin: germline. Observed: 1 variant allele.
Comment: Variant classified as Uncertain Significance - Favor Pathogenic. The Glu500Ala v ariant in MYH7 has been reported in 1 individual with HCM (Mohiddin 2003) and ha s not been identified in large population studies. Glutamic acid (Glu) at positi on 500 is highly conserved in mammals and across evolutionarily distant species and the change to alanine (Ala) was predicted to be pathogenic using a computati onal tool clinically validated by our laboratory. This tool's pathogenic predict ion is estimated to be correct 94% of the time (Jordan 2011). Although the low f requency and computational predictions suggest that this variant may be pathogen ic, additional studies are needed to fully assess its clinical significance.

Literature cited by the submitters: PubMed 12820698 (cited by 3 submitters); PubMed 27532257 (cited by Ambry Genetics and Labcorp Genetics (formerly Invitae), Labcorp); PubMed 35838873 (cited by Ambry Genetics and Labcorp Genetics (formerly Invitae), Labcorp); PubMed 37652022 (cited by Labcorp Genetics (formerly Invitae), Labcorp).